The following is an entry in ClinVar:

ClinVar aggregate classification (germline): Uncertain significance. Review status: criteria provided, multiple submitters, no conflicts (2 of 4 stars). 2 submissions from 2 submitters: Uncertain significance (2). Last evaluated 2024-04-29.

Conditions:
Retinitis pigmentosa 80 (RP80). Identifiers: MedGen C4540439, MONDO:0054708, OMIM 617781.
Saldino-Mainzer syndrome (SRTD9). Also called: Renal dysplasia, retinal pigmentary dystrophy, cerebellar ataxia and skeletal dysplasia; CONORENAL SYNDROME; short-rib thoracic dysplasia 9 with or without polydactyly; SHORT-RIB THORACIC DYSPLASIA 9 WITHOUT POLYDACTYLY. Identifiers: Orphanet 140969, MedGen C1849437, MONDO:0009964, OMIM 266920.

Submissions (2):

Fulgent Genetics
Classification: Uncertain significance for Saldino-Mainzer syndrome; Retinitis pigmentosa 80. Last evaluated: 2024-04-29. Review status: criteria provided, single submitter. Criteria: ACMG Guidelines, 2015. Collection method: clinical testing. Allele origin: germline.

Labcorp Genetics (formerly Invitae), Labcorp
Classification: Uncertain significance for Saldino-Mainzer syndrome. Last evaluated: 2022-05-18. Review status: criteria provided, single submitter. Criteria: Invitae Variant Classification Sherloc (09022015). Collection method: clinical testing. Allele origin: germline.
Comment: This sequence change replaces phenylalanine, which is neutral and non-polar, with serine, which is neutral and polar, at codon 237 of the IFT140 protein (p.Phe237Ser). This variant is not present in population databases (gnomAD no frequency). This variant has not been reported in the literature in individuals affected with IFT140-related conditions. Algorithms developed to predict the effect of missense changes on protein structure and function (SIFT, PolyPhen-2, Align-GVGD) all suggest that this variant is likely to be tolerated. In summary, the available evidence is currently insufficient to determine the role of this variant in disease. Therefore, it has been classified as a Variant of Uncertain Significance.

NM_014714.4(IFT140):c.710T>C (p.Phe237Ser)

Genes: IFT140 (intraflagellar transport 140; minus strand), LOC105371046 (uncharacterized LOC105371046; plus strand). Cytogenetic location: 16p13.3.
Variant type: single nucleotide variant.
Coding change: c.710T>C on transcript NM_014714.4 (MANE Select); coding-DNA position 710, T replaced by C.
Protein change: p.Phe237Ser; replaces phenylalanine 237 with serine.
Molecular consequence: missense variant.
Genome position (GRCh38, 1-based): chr16:1,589,705, A>G on the plus strand (T>C on the coding strand, the complement: IFT140 is on the minus strand). VCF-style: chr16-1589705-A-G. GRCh37 (hg19) VCF-style: chr16-1639706-A-G.
Other names: short protein forms F237S.
Identifiers: ClinVar variation 1920895 (VCV001920895.6), dbSNP rs2507932931, ClinGen allele CA394218649.